The following is an entry in ClinVar:

ClinVar aggregate classification (germline): Conflicting classifications of pathogenicity. Review status: criteria provided, conflicting classifications (1 of 4 stars). 2 submissions from 2 submitters: Uncertain significance (1); Likely benign (1). Last evaluated 2023-01-01.

Allele frequency attached by ClinVar (database versions not stated): gnomAD exomes below 0.00001.
gnomAD v4.1: 4 of 1,613,366 alleles (0.00025%); highest among the groups gnomAD compares: South Asian, 0.0011%; no homozygotes.

Submissions (2):

CeGaT Center for Human Genetics Tuebingen
Classification: Likely benign. Last evaluated: 2023-01-01. Review status: criteria provided, single submitter. Criteria: CeGaT Center For Human Genetics Tuebingen Variant Classification Criteria Version 2. Collection method: clinical testing. Allele origin: germline. Affected: yes. Observed: 1 variant allele.
Comment: PLCG2: PM2:Supporting, BP4, BP7

Blueprint Genetics
Classification: Uncertain significance. Last evaluated: 2021-05-03. Review status: criteria provided, single submitter. Criteria: ACMG Guidelines, 2015. Collection method: clinical testing. Allele origin: germline.

NM_002661.5(PLCG2):c.3489G>A (p.Arg1163=)

Gene: PLCG2 (phospholipase C gamma 2; plus strand). Cytogenetic location: 16q23.3.
Variant type: single nucleotide variant.
Coding change: c.3489G>A on transcript NM_002661.5 (MANE Select); coding-DNA position 3489, G replaced by A.
Protein change: p.Arg1163=; no amino-acid change (arginine 1163 retained).
Molecular consequence: synonymous variant.
Genome position (GRCh38, 1-based): chr16:81,946,182, G>A. VCF-style: chr16-81946182-G-A. GRCh37 (hg19) VCF-style: chr16-81979787-G-A.
Identifiers: ClinVar variation 2498674 (VCV002498674.29), dbSNP rs2507788483, ClinGen allele CA496716432.